The following is an entry in ClinVar:

NM_014251.3(SLC25A13):c.1910T>C (p.Val637Ala)

Gene: SLC25A13 (solute carrier family 25 member 13; minus strand). Cytogenetic location: 7q21.3.
Variant type: single nucleotide variant.
Coding change: c.1910T>C on transcript NM_014251.3 (MANE Select); coding-DNA position 1910, T replaced by C.
Protein change: p.Val637Ala; replaces valine 637 with alanine.
Molecular consequence: missense variant. On other transcripts: non-coding transcript variant (1).
Genome position (GRCh38, 1-based): chr7:96,121,309, A>G on the plus strand (T>C on the coding strand, the complement: SLC25A13 is on the minus strand). VCF-style: chr7-96121309-A-G. GRCh37 (hg19) VCF-style: chr7-95750621-A-G.
Other names: p.V637A:GTT>GCT; c.1913T>C, p.Val638Ala (NM_001160210.2); short protein forms V637A, V638A.
Identifiers: ClinVar variation 203938 (VCV000203938.28), dbSNP rs148962110, ClinGen allele CA312978.

ClinVar aggregate classification (germline): Conflicting classifications of pathogenicity. Review status: criteria provided, conflicting classifications (1 of 4 stars). 8 submissions from 8 submitters: Uncertain significance (5); Likely benign (1). 2 of the submissions do not count toward it. Last evaluated 2026-01-27.

Conditions:
SLC25A13-related disorder. Also called: SLC25A13-related condition.
Adult-onset citrullinemia type I. Also called: Late-onset citrullinemia. Identifiers: Orphanet 247573, MedGen C0268546, MONDO:0016601.
Citrin deficiency. Identifiers: Orphanet 247582, MedGen C1997910, MONDO:0016602.
Citrullinemia type II. Also called: Citrullinemia Type II (CTLN2). Identifiers: Orphanet 247585, MedGen C1863844, MONDO:0016603.
Neonatal intrahepatic cholestasis due to citrin deficiency (CDNI). Also called: CITRIN DEFICIENCY, NEONATAL OR INFANTILE ONSET; Neonatal Intrahepatic Cholestasis Caused by Citrin Deficiency (NICCD); Neonatal-onset citrullinemia type II; Neonatal-onset citrullinemia type 2. Identifiers: Orphanet 247598, MedGen C1853942, MONDO:0011601, OMIM 605814.

Allele frequency attached by ClinVar (database versions not stated): 1000 Genomes Project 30x 0.00031; 1000 Genomes Project 0.00040; gnomAD 0.00068 and 0.00075; ESP Exome Variant Server 0.00069; TOPMed 0.00081.
gnomAD v4.1: 419 of 1,614,082 alleles (0.026%); highest among the groups gnomAD compares: African/African-American, 0.21%; 1 homozygote.

Submissions (8):

Labcorp Genetics (formerly Invitae), Labcorp
Classification: Likely benign for Citrin deficiency. Last evaluated: 2026-01-27. Review status: criteria provided, single submitter. Criteria: Invitae Variant Classification Sherloc (09022015). Collection method: clinical testing. Allele origin: germline.

Blueprint Genetics
Classification: Uncertain significance. Last evaluated: 2024-10-28. Review status: criteria provided, single submitter. Criteria: ACMG Guidelines, 2015. Collection method: clinical testing. Allele origin: germline.

GeneDx
Classification: Uncertain significance. Last evaluated: 2021-03-01. Review status: criteria provided, single submitter. Criteria: GeneDx Variant Classification Process June 2021. Collection method: clinical testing. Allele origin: germline. Affected: yes.
Comment: In silico analysis supports that this missense variant has a deleterious effect on protein structure/function; Has not been previously published as pathogenic or benign to our knowledge

Fulgent Genetics
Classification: Uncertain significance for Citrullinemia, type II, adult-onset; Neonatal intrahepatic cholestasis due to citrin deficiency. Last evaluated: 2018-10-31. Review status: criteria provided, single submitter. Criteria: ACMG Guidelines, 2015. Collection method: clinical testing. Allele origin: unknown.

Eurofins Ntd Llc (ga)
Classification: Uncertain significance. Last evaluated: 2018-07-27. Review status: criteria provided, single submitter. Criteria: EGL ClinVar v180209 classification definitions. Collection method: clinical testing. Allele origin: germline. Observed: 3 variant alleles, 3 heterozygotes.

Illumina Laboratory Services, Illumina
Classification: Uncertain significance for Citrullinemia, type II, adult-onset. Last evaluated: 2018-01-12. Review status: criteria provided, single submitter. Criteria: ICSL Variant Classification Criteria 13 December 2019. Collection method: clinical testing. Allele origin: germline.

PreventionGenetics, part of Exact Sciences
Classification: Likely benign for SLC25A13-related condition. Last evaluated: 2023-01-09. Review status: no assertion criteria provided. Collection method: clinical testing. Allele origin: germline. Not counted in ClinVar's aggregate classification.
Comment: This variant is classified as likely benign based on ACMG/AMP sequence variant interpretation guidelines (Richards et al. 2015 PMID: 25741868, with internal and published modifications).

Natera, Inc.
Classification: Uncertain significance for Late-onset citrullinemia. Last evaluated: 2019-11-11. Review status: no assertion criteria provided. Collection method: clinical testing. Allele origin: germline. Not counted in ClinVar's aggregate classification.